The following is an entry in ClinVar:

NM_004990.4(MARS1):c.715G>A (p.Ala239Thr)

Gene: MARS1 (methionyl-tRNA synthetase 1; plus strand). Cytogenetic location: 12q13.3.
Variant type: single nucleotide variant.
Coding change: c.715G>A on transcript NM_004990.4 (MANE Select); coding-DNA position 715, G replaced by A.
Protein change: p.Ala239Thr; replaces alanine 239 with threonine.
Molecular consequence: missense variant.
Genome position (GRCh38, 1-based): chr12:57,490,589, G>A. VCF-style: chr12-57490589-G-A. GRCh37 (hg19) VCF-style: chr12-57884372-G-A.
Other names: short protein forms A239T.
Identifiers: ClinVar variation 1799777 (VCV001799777.2), dbSNP rs2540262273, ClinGen allele CA385492676.

ClinVar aggregate classification (germline): Uncertain significance (1 of 4 stars; one submission).

Allele frequency attached by ClinVar (database versions not stated): gnomAD exomes 0.00001.
gnomAD v4.1: 8 of 1,614,120 alleles (0.0005%); highest among the groups gnomAD compares: Non-Finnish European, 0.00068%; no homozygotes.

Submission:

Ambry Genetics
Classification: Uncertain significance. Last evaluated: 2021-12-16. Review status: criteria provided, single submitter. Criteria: Ambry Variant Classification Scheme 2023. Collection method: clinical testing. Allele origin: germline.
Comment: The p.A239T variant (also known as c.715G>A), located in coding exon 7 of the MARS gene, results from a G to A substitution at nucleotide position 715. The alanine at codon 239 is replaced by threonine, an amino acid with similar properties. This amino acid position is conserved. In addition, this alteration is predicted to be tolerated by in silico analysis. Since supporting evidence is limited at this time, the clinical significance of this alteration remains unclear.